The following is an entry in ClinVar:

NM_032383.5(HPS3):c.1500C>G (p.Tyr500Ter)

Gene: HPS3 (HPS3 biogenesis of lysosomal organelles complex 2 subunit 1; plus strand). Cytogenetic location: 3q24.
Variant type: single nucleotide variant.
Coding change: c.1500C>G on transcript NM_032383.5 (MANE Select); coding-DNA position 1500, C replaced by G.
Protein change: p.Tyr500Ter; replaces tyrosine 500 with a stop codon.
Molecular consequence: nonsense.
Genome position (GRCh38, 1-based): chr3:149,155,206, C>G. VCF-style: chr3-149155206-C-G. GRCh37 (hg19) VCF-style: chr3-148872993-C-G.
Other names: c.1005C>G, p.Tyr335Ter (NM_001308258.2); c.1500C>G (NM_032383.4); short protein forms Y335*, Y500*.
Identifiers: ClinVar variation 1350616 (VCV001350616.7), dbSNP rs1173829042, ClinGen allele CA354920175.

ClinVar aggregate classification (germline): Pathogenic/Likely pathogenic. Review status: criteria provided, multiple submitters, no conflicts (2 of 4 stars). 2 submissions from 2 submitters: Pathogenic (1); Likely pathogenic (1). Last evaluated 2024-11-25.

Conditions:
Hermansky-Pudlak syndrome (HPS). Also called: ALBINISM WITH HEMORRHAGIC DIATHESIS AND PIGMENTED RETICULOENDOTHELIAL CELLS. Identifiers: Orphanet 79430, MedGen C0079504, MONDO:0019312.

Submissions (2):

Natera, Inc.
Classification: Likely pathogenic for Hermansky-Pudlak syndrome. Last evaluated: 2024-11-25. Review status: criteria provided, single submitter. Criteria: Natera Variant Classification Schema (03/2026). Collection method: clinical testing. Allele origin: germline.
Comment: The c.1500C>G variant in HPS3 is a nonsense variant predicted to introduce a stop codon at amino acid 500. This variant is expected to result in nonsense mediated decay, truncation, or a dysfunctional protein product. This variant is rare in the general population with a frequency below the threshold expected for the associated phenotype(s). Given the available evidence, this variant is classified as Likely Pathogenic.

Labcorp Genetics (formerly Invitae), Labcorp
Classification: Pathogenic. Last evaluated: 2021-02-22. Review status: criteria provided, single submitter. Criteria: Invitae Variant Classification Sherloc (09022015). Collection method: clinical testing. Allele origin: germline.
Comment: This sequence change creates a premature translational stop signal (p.Tyr500*) in the HPS3 gene. It is expected to result in an absent or disrupted protein product. Loss-of-function variants in HPS3 are known to be pathogenic (PMID: 11590544). For these reasons, this variant has been classified as Pathogenic. This variant has not been reported in the literature in individuals with HPS3-related conditions. This variant is not present in population databases (ExAC no frequency).

Literature cited by the submitters: PubMed 11590544 (cited by Labcorp Genetics (formerly Invitae), Labcorp).